The following is an entry in ClinVar:

NM_003072.5(SMARCA4):c.868G>A (p.Ala290Thr)

Gene: SMARCA4 (SWI/SNF related BAF chromatin remodeling complex subunit ATPase 4; plus strand). Cytogenetic location: 19p13.2.
Variant type: single nucleotide variant.
Coding change: c.868G>A on transcript NM_003072.5 (MANE Select); coding-DNA position 868, G replaced by A.
Protein change: p.Ala290Thr; replaces alanine 290 with threonine.
Molecular consequence: missense variant. On other transcripts: non-coding transcript variant (1).
Genome position (GRCh38, 1-based): chr19:10,987,674, G>A. VCF-style: chr19-10987674-G-A. GRCh37 (hg19) VCF-style: chr19-11098350-G-A.
Other names: c.868G>A, p.Ala290Thr (NM_001374457.1, NM_001387283.1, NM_001411150.1 and 6 more transcripts); short protein forms A290T.
Identifiers: ClinVar variation 2773238 (VCV002773238.3), dbSNP rs2145813609, ClinGen allele CA404058310.

ClinVar aggregate classification (germline): Uncertain significance (1 of 4 stars; one submission).

Conditions:
Rhabdoid tumor predisposition syndrome 2 (RTPS2). Identifiers: Orphanet 231108, Orphanet 69077, MedGen C2750074, MONDO:0013224, OMIM 613325.

Submission:

Labcorp Genetics (formerly Invitae), Labcorp
Classification: Uncertain significance for Rhabdoid tumor predisposition syndrome 2. Last evaluated: 2023-06-05. Review status: criteria provided, single submitter. Criteria: Invitae Variant Classification Sherloc (09022015). Collection method: clinical testing. Allele origin: germline.
Comment: This variant is not present in population databases (gnomAD no frequency). This variant has not been reported in the literature in individuals affected with SMARCA4-related conditions. Advanced modeling of protein sequence and biophysical properties (such as structural, functional, and spatial information, amino acid conservation, physicochemical variation, residue mobility, and thermodynamic stability) performed at Invitae indicates that this missense variant is not expected to disrupt SMARCA4 protein function. In summary, the available evidence is currently insufficient to determine the role of this variant in disease. Therefore, it has been classified as a Variant of Uncertain Significance. This sequence change replaces alanine, which is neutral and non-polar, with threonine, which is neutral and polar, at codon 290 of the SMARCA4 protein (p.Ala290Thr).